The following is an entry in ClinVar:

ClinVar aggregate classification (germline): Conflicting classifications of pathogenicity. Review status: criteria provided, conflicting classifications (1 of 4 stars). 4 submissions from 4 submitters: Uncertain significance (3); Likely benign (1). Last evaluated 2026-02-23.

Conditions:
Arrhythmogenic cardiomyopathy with wooly hair and keratoderma. Also called: PALMOPLANTAR KERATODERMA WITH LEFT VENTRICULAR CARDIOMYOPATHY AND WOOLLY HAIR; Carvajal syndrome; Arrhythmogenic cardiomyopathy with woolly hair and keratoderma; Dilated cardiomyopathy with woolly hair and keratoderma. Identifiers: Orphanet 65282, MedGen C1854063, MONDO:0011581, OMIM 605676.
Arrhythmogenic right ventricular dysplasia 8 (ARVD8). Also called: Arrhythmogenic Right Ventricular Dysplasia/Cardiomyopathy 8; ARRHYTHMOGENIC RIGHT VENTRICULAR DYSPLASIA, FAMILIAL, 8; ARRHYTHMOGENIC RIGHT VENTRICULAR CARDIOMYOPATHY 8. Identifiers: MedGen C1843896, MONDO:0011831, OMIM 607450.
Cardiovascular phenotype. Identifiers: MedGen CN230736.
Cardiomyopathy (CMYO). Also called: Cardiomyopathies. Identifiers: Orphanet 167848, MedGen C0878544, MONDO:0004994, HP:0001638. Inheritance: Various modes of inheritance.

Submissions (4):

Ambry Genetics
Classification: Uncertain significance for Cardiovascular phenotype. Last evaluated: 2026-02-23. Review status: criteria provided, single submitter. Criteria: Ambry Variant Classification Scheme 2023. Collection method: clinical testing. Allele origin: germline.

Labcorp Genetics (formerly Invitae), Labcorp
Classification: Likely benign for Arrhythmogenic cardiomyopathy with wooly hair and keratoderma; Arrhythmogenic right ventricular dysplasia 8. Last evaluated: 2025-01-08. Review status: criteria provided, single submitter. Criteria: Invitae Variant Classification Sherloc (09022015). Collection method: clinical testing. Allele origin: germline.

All of Us Research Program, National Institutes of Health
Classification: Uncertain significance for Arrhythmogenic cardiomyopathy with wooly hair and keratoderma. Last evaluated: 2024-07-10. Review status: criteria provided, single submitter. Criteria: ACMG Guidelines, 2015. Collection method: clinical testing. Allele origin: germline. Inheritance: Autosomal dominant inheritance. Observed: 1 variant allele, 1 heterozygote.
Comment: This missense variant replaces arginine with isoleucine at codon 2432 of the DSP protein. Computational prediction suggests that this variant may have deleterious impact on protein structure and function (internally defined REVEL score threshold >= 0.7, PMID: 27666373). To our knowledge, functional studies have not been reported for this variant. This variant has not been reported in individuals affected with DSP-related disorders in the literature. This variant has been identified in 4/282512 chromosomes in the general population by the Genome Aggregation Database (gnomAD). The available evidence is insufficient to determine the role of this variant in disease conclusively. Therefore, this variant is classified as a Variant of Uncertain Significance.

This study involves interpretation of variants in research participants for the purpose of population health screening. Participant phenotype was not available at the time of variant classification. Additional details can be found in publication PMID: 35346344, PMCID: PMC8962531

Color Diagnostics, LLC DBA Color Health
Classification: Uncertain significance for Cardiomyopathy. Last evaluated: 2024-06-11. Review status: criteria provided, single submitter. Criteria: ACMG Guidelines, 2015. Collection method: clinical testing. Allele origin: germline.
Comment: This missense variant replaces arginine with isoleucine at codon 2432 of the DSP protein. Computational prediction suggests that this variant may have deleterious impact on protein structure and function (internally defined REVEL score threshold >= 0.7, PMID: 27666373). To our knowledge, functional studies have not been reported for this variant. This variant has not been reported in individuals affected with DSP-related disorders in the literature. This variant has been identified in 4/282512 chromosomes in the general population by the Genome Aggregation Database (gnomAD). The available evidence is insufficient to determine the role of this variant in disease conclusively. Therefore, this variant is classified as a Variant of Uncertain Significance.

NM_004415.4(DSP):c.7295G>T (p.Arg2432Ile)

Gene: DSP (desmoplakin; plus strand). Cytogenetic location: 6p24.3.
Variant type: single nucleotide variant.
Coding change: c.7295G>T on transcript NM_004415.4 (MANE Select); coding-DNA position 7295, G replaced by T.
Protein change: p.Arg2432Ile; replaces arginine 2432 with isoleucine.
Molecular consequence: missense variant.
Genome position (GRCh38, 1-based): chr6:7,584,557, G>T. VCF-style: chr6-7584557-G-T. GRCh37 (hg19) VCF-style: chr6-7584790-G-T.
Other names: c.5498G>T, p.Arg1833Ile (NM_001008844.3); c.5966G>T, p.Arg1989Ile (NM_001319034.2); short protein forms R1833I, R1989I, R2432I.
Identifiers: ClinVar variation 3386716 (VCV003386716.5).